The following is an entry in ClinVar:

NM_201384.3(PLEC):c.8180T>G (p.Leu2727Arg)

Gene: PLEC (plectin; minus strand). Cytogenetic location: 8q24.3.
Variant type: single nucleotide variant.
Coding change: c.8180T>G on transcript NM_201384.3 (MANE Select); coding-DNA position 8180, T replaced by G.
Protein change: p.Leu2727Arg; replaces leucine 2727 with arginine.
Molecular consequence: missense variant.
Genome position (GRCh38, 1-based): chr8:143,921,641, A>C on the plus strand (T>G on the coding strand, the complement: PLEC is on the minus strand). VCF-style: chr8-143921641-A-C. GRCh37 (hg19) VCF-style: chr8-144995809-A-C.
Other names: c.8261T>G, p.Leu2754Arg (NM_000445.5); c.4880T>G, p.Leu1627Arg (NM_001410941.1); c.8138T>G, p.Leu2713Arg (NM_201378.4); c.8114T>G, p.Leu2705Arg (NM_201379.3); c.8591T>G, p.Leu2864Arg (NM_201380.4); c.8084T>G, p.Leu2695Arg (NM_201381.3); c.8180T>G, p.Leu2727Arg (NM_201382.4); c.8192T>G, p.Leu2731Arg (NM_201383.3); short protein forms L2713R, L2731R, L2864R, L2695R, L2705R, L2727R, L1627R, L2754R.
Identifiers: ClinVar variation 2558853 (VCV002558853.5), dbSNP rs2537493956, ClinGen allele CA372518722.

ClinVar aggregate classification (germline): Uncertain significance. Review status: criteria provided, multiple submitters, no conflicts (2 of 4 stars). 2 submissions from 2 submitters: Uncertain significance (2). Last evaluated 2023-06-07.

Conditions:
Autosomal recessive limb-girdle muscular dystrophy type 2Q (LGMDR17). Also called: MUSCULAR DYSTROPHY, LIMB-GIRDLE, AUTOSOMAL RECESSIVE 17. Identifiers: Orphanet 254361, MedGen C3150989, MONDO:0013390, OMIM 613723.
Epidermolysis bullosa simplex 5C, with pyloric atresia (EBS5C). Also called: PLEC1-Related Epidermolysis Bullosa with Pyloric Atresia; PLEC-Related Epidermolysis Bullosa with Pyloric Atresia; Epidermolysis bullosa simplex with pyloric atresia. Identifiers: Orphanet 158684, MedGen C2677349, MONDO:0012807, OMIM 612138.
Epidermolysis bullosa simplex 5B, with muscular dystrophy (EBS5B). Also called: EPIDERMOLYSIS BULLOSA SIMPLEX AND LIMB-GIRDLE MUSCULAR DYSTROPHY; Epidermolysis bullosa simplex with muscular dystrophy. Identifiers: Orphanet 257, MedGen C2931072, MONDO:0009181, OMIM 226670.
Epidermolysis bullosa simplex, Ogna type (EBS5A). Also called: Pidermolysis bullosa simplex 5A, Ogna type; EPIDERMOLYSIS BULLOSA SIMPLEX 5A, OGNA TYPE. Identifiers: Orphanet 79401, MedGen C0432317, MONDO:0007555, OMIM 131950.
Epidermolysis bullosa simplex with nail dystrophy (EBS5D). Identifiers: MedGen C4225309, MONDO:0014661, OMIM 616487.
Inborn genetic diseases. Identifiers: MedGen C0950123, MeSH D030342.

Allele frequency attached by ClinVar (database versions not stated): gnomAD exomes below 0.00001.
gnomAD v4.1: 2 of 1,612,948 alleles (0.00012%); highest among the groups gnomAD compares: Non-Finnish European, 0.00017%; no homozygotes.

Submissions (2):

Ambry Genetics
Classification: Uncertain significance for Inborn genetic diseases. Last evaluated: 2023-06-07. Review status: criteria provided, single submitter. Criteria: Ambry Variant Classification Scheme 2023. Collection method: clinical testing. Allele origin: germline.

Labcorp Genetics (formerly Invitae), Labcorp
Classification: Uncertain significance for Autosomal recessive limb-girdle muscular dystrophy type 2Q; Epidermolysis bullosa simplex, Ogna type; Epidermolysis bullosa simplex with nail dystrophy; Epidermolysis bullosa simplex 5C, with pyloric atresia; Epidermolysis bullosa simplex 5B, with muscular dystrophy. Last evaluated: 2022-11-17. Review status: criteria provided, single submitter. Criteria: Invitae Variant Classification Sherloc (09022015). Collection method: clinical testing. Allele origin: germline.
Comment: In summary, the available evidence is currently insufficient to determine the role of this variant in disease. Therefore, it has been classified as a Variant of Uncertain Significance. Algorithms developed to predict the effect of missense changes on protein structure and function are either unavailable or do not agree on the potential impact of this missense change (SIFT: "Deleterious"; PolyPhen-2: "Probably Damaging"; Align-GVGD: "Class C0"). This variant has not been reported in the literature in individuals affected with PLEC-related conditions. This variant is not present in population databases (gnomAD no frequency). This sequence change replaces leucine, which is neutral and non-polar, with arginine, which is basic and polar, at codon 2754 of the PLEC protein (p.Leu2754Arg).